The following is an entry in ClinVar:

ClinVar aggregate classification (germline): Benign (1 of 4 stars; one submission).

Allele frequency attached by ClinVar (database versions not stated): 1000 Genomes Project 30x 0.00375; 1000 Genomes Project 0.00399; ESP Exome Variant Server 0.00737; gnomAD 0.00776; TOPMed 0.00818; gnomAD exomes 0.01017; ExAC 0.01276.
gnomAD v4.1: 15,741 of 1,583,902 alleles (0.99%); highest among the groups gnomAD compares: Middle Eastern, 1.3%; 92 homozygotes.

Submission:

CeGaT Center for Human Genetics Tuebingen
Classification: Benign. Last evaluated: 2026-05-01. Review status: criteria provided, single submitter. Criteria: CeGaT Center For Human Genetics Tuebingen Variant Classification Criteria Version 2. Collection method: clinical testing. Allele origin: germline. Affected: yes. Observed: 6 variant alleles.
Comment: TYMSOS: BS1, BS2

NM_001071.4(TYMS):c.205+200C>A

Genes: TYMS (thymidylate synthetase; plus strand), TYMSOS (TYMS opposite strand RNA; minus strand). Cytogenetic location: 18p11.32.
Variant type: single nucleotide variant.
Coding change: c.205+200C>A on transcript NM_001071.4 (MANE Select); 200 bases into the intron after coding-DNA position 205, C replaced by A.
Molecular consequence: intron variant. On other transcripts: non-coding transcript variant (1).
Genome position (GRCh38, 1-based): chr18:658,147, C>A. VCF-style: chr18-658147-C-A. GRCh37 (hg19) VCF-style: chr18-658147-C-A.
Other names: c.205+200C>A (NM_001354867.2, NM_001354868.2).
Identifiers: ClinVar variation 2648512 (VCV002648512.24), dbSNP rs182344736, ClinGen allele CA8867755.